The following is an entry in ClinVar:

ClinVar aggregate classification (germline): Pathogenic (1 of 4 stars; one submission).

Conditions:
Ehlers-Danlos syndrome, dermatosparaxis type. Also called: EDS VIIC; Dermatosparaxis; Ehlers-Danlos syndrome, type VII, autosomal recessive. Identifiers: Orphanet 1901, MedGen C2700425, MONDO:0009161, OMIM 225410.

Submission:

Myriad Genetics, Inc.
Classification: Pathogenic for Ehlers-Danlos syndrome, dermatosparaxis type. Last evaluated: 2024-05-14. Review status: criteria provided, single submitter. Criteria: Myriad Autosomal Dominant, Autosomal Recessive and X-Linked Classification Criteria (2023). Collection method: clinical testing. Allele origin: unknown.
Comment: NM_014244.4(ADAMTS2):c.758dupC(R254Efs*12) is expected to be pathogenic in the context of Ehlers-Danlos syndrome, ADAMTS2-related. This variant is predicted to lead to an abnormal or absent protein product due to the creation of a premature termination codon in ADAMTS2, a gene where loss-of-function variants are known to be pathogenic. Please note: this variant was assessed in the context of healthy population screening.

NM_014244.5(ADAMTS2):c.758dup (p.Arg254fs)

Gene: ADAMTS2 (ADAM metallopeptidase with thrombospondin type 1 motif 2; minus strand). Cytogenetic location: 5q35.3.
Variant type: Duplication.
Coding change: c.758dup on transcript NM_014244.5 (MANE Select); coding-DNA position 758, one base duplicated (C; older notation c.758dupC).
Protein change: p.Arg254fs; shifts the reading frame from arginine 254.
Molecular consequence: frameshift variant.
Genome position (GRCh38, 1-based): chr5:179,207,646, G duplicated on the plus strand (C on the coding strand, the reverse complement: ADAMTS2 is on the minus strand). VCF-style (leftmost placement, unchanged base first): chr5-179207645-C-CG. GRCh37 (hg19) VCF-style: chr5-178634646-C-CG.
Other names: c.758dup, p.Arg254fs (NM_021599.4); short protein forms R254fs.
Identifiers: ClinVar variation 5010780 (VCV005010780.1).